The following is an entry in ClinVar:

ClinVar aggregate classification (germline): Uncertain significance (1 of 4 stars; one submission).

Submission:

CeGaT Center for Human Genetics Tuebingen
Classification: Uncertain significance. Last evaluated: 2024-08-01. Review status: criteria provided, single submitter. Criteria: CeGaT Center For Human Genetics Tuebingen Variant Classification Criteria Version 2. Collection method: clinical testing. Allele origin: germline. Affected: yes. Observed: 1 variant allele.
Comment: ERF: PM2

NM_006494.4(ERF):c.349C>G (p.Pro117Ala)

Gene: ERF (ETS2 repressor factor; minus strand). Cytogenetic location: 19q13.2.
Variant type: single nucleotide variant.
Coding change: c.349C>G on transcript NM_006494.4 (MANE Select); coding-DNA position 349, C replaced by G.
Protein change: p.Pro117Ala; replaces proline 117 with alanine.
Molecular consequence: missense variant.
Genome position (GRCh38, 1-based): chr19:42,249,851, G>C on the plus strand (C>G on the coding strand, the complement: ERF is on the minus strand). VCF-style: chr19-42249851-G-C. GRCh37 (hg19) VCF-style: chr19-42754003-G-C.
Other names: c.124C>G, p.Pro42Ala (NM_001301035.2, NM_001308402.2, NM_001312656.2); short protein forms P117A, P42A.
Identifiers: ClinVar variation 3342066 (VCV003342066.16).